The following is an entry in ClinVar:

NM_025114.4(CEP290):c.4813-1G>C

Gene: CEP290 (centrosomal protein 290; minus strand). Cytogenetic location: 12q21.32.
Variant type: single nucleotide variant.
Coding change: c.4813-1G>C on transcript NM_025114.4 (MANE Select); the canonical splice acceptor site of the intron before coding-DNA position 4813, G replaced by C.
Molecular consequence: splice acceptor variant.
Genome position (GRCh38, 1-based): chr12:88,083,231, C>G on the plus strand (G>C on the coding strand, the complement: CEP290 is on the minus strand). VCF-style: chr12-88083231-C-G. GRCh37 (hg19) VCF-style: chr12-88477008-C-G.
Identifiers: ClinVar variation 3755082 (VCV003755082.2).

ClinVar aggregate classification (germline): Likely pathogenic (1 of 4 stars; one submission).

Conditions:
Joubert syndrome. Also called: CEREBELLOPARENCHYMAL DISORDER IV; JOUBERT-BOLTSHAUSER SYNDROME; Familial aplasia of the vermis. Identifiers: Orphanet 475, MedGen C5979921, MONDO:0018772.
Nephronophthisis. Also called: Juvenile Nephronophthisis. Identifiers: Orphanet 655, MedGen C0687120, MONDO:0019005, HP:0000090.
Meckel-Gruber syndrome. Also called: DYSENCEPHALIA SPLANCHNOCYSTICA; GRUBER SYNDROME; Dysencephalia splachnocystica. Identifiers: Orphanet 564, MedGen C0265215, MONDO:0018921.

Submission:

Labcorp Genetics (formerly Invitae), Labcorp
Classification: Likely pathogenic for Joubert syndrome; Meckel-Gruber syndrome; Nephronophthisis. Last evaluated: 2024-03-03. Review status: criteria provided, single submitter. Criteria: Invitae Variant Classification Sherloc (09022015). Collection method: clinical testing. Allele origin: germline.
Comment: This sequence change affects an acceptor splice site in intron 36 of the CEP290 gene. It is expected to disrupt RNA splicing. Variants that disrupt the donor or acceptor splice site typically lead to a loss of protein function (PMID: 16199547), and loss-of-function variants in CEP290 are known to be pathogenic (PMID: 16909394, 17345604, 20690115). This variant is not present in population databases (gnomAD no frequency). This variant has not been reported in the literature in individuals affected with CEP290-related conditions. Algorithms developed to predict the effect of sequence changes on RNA splicing suggest that this variant may disrupt the consensus splice site. In summary, the currently available evidence indicates that the variant is pathogenic, but additional data are needed to prove that conclusively. Therefore, this variant has been classified as Likely Pathogenic.

Literature cited by the submitters: PubMed 16199547; PubMed 16909394; PubMed 17345604; PubMed 20690115.